The following is an entry in ClinVar:

ClinVar aggregate classification (germline): Uncertain significance (1 of 4 stars; one submission).

Allele frequency attached by ClinVar (database versions not stated): TOPMed below 0.00001; gnomAD 0.00001; gnomAD exomes 0.00001.

Submission:

Labcorp Genetics (formerly Invitae), Labcorp
Classification: Uncertain significance. Last evaluated: 2022-08-16. Review status: criteria provided, single submitter. Criteria: Invitae Variant Classification Sherloc (09022015). Collection method: clinical testing. Allele origin: germline.
Comment: This sequence change affects a donor splice site in intron 1 of the DNASE2 gene. It is expected to disrupt RNA splicing. Variants that disrupt the donor or acceptor splice site typically lead to a loss of protein function (PMID: 16199547), however the current clinical and genetic evidence is not sufficient to establish whether loss-of-function variants in DNASE2 cause disease. This variant is present in population databases (no rsID available, gnomAD 0.007%). This variant has not been reported in the literature in individuals affected with DNASE2-related conditions. ClinVar contains an entry for this variant (Variation ID: 1351548). Algorithms developed to predict the effect of sequence changes on RNA splicing suggest that this variant may disrupt the consensus splice site. In summary, the available evidence is currently insufficient to determine the role of this variant in disease. Therefore, it has been classified as a Variant of Uncertain Significance.

Literature cited by the submitters: PubMed 16199547.

NM_001375.3(DNASE2):c.86+2T>C

Genes: DNASE2 (deoxyribonuclease 2, lysosomal; minus strand), LOC117125588 (CRISPRi-FlowFISH-validated KLF1 regulatory element 1; plus strand). Cytogenetic location: 19p13.13.
Variant type: single nucleotide variant.
Coding change: c.86+2T>C on transcript NM_001375.3 (MANE Select); the canonical splice donor site of the intron after coding-DNA position 86, T replaced by C.
Molecular consequence: splice donor variant.
Genome position (GRCh38, 1-based): chr19:12,881,288, A>G on the plus strand (T>C on the coding strand, the complement: DNASE2 is on the minus strand). VCF-style: chr19-12881288-A-G. GRCh37 (hg19) VCF-style: chr19-12992102-A-G.
Identifiers: ClinVar variation 1351548 (VCV001351548.5), dbSNP rs1288159917, ClinGen allele CA404304380.